The following is an entry in ClinVar:

ClinVar aggregate classification (germline): Uncertain significance (1 of 4 stars; one submission).

Conditions:
Bethlem myopathy 2 (BTHLM2). Identifiers: Orphanet 536516, Orphanet 610, MedGen C4225313, MONDO:0034022, OMIM 616471.
Ullrich congenital muscular dystrophy 2 (UCMD2). Identifiers: Orphanet 75840, MedGen C4225314, MONDO:0014654, OMIM 616470.

Allele frequency attached by ClinVar (database versions not stated): TOPMed below 0.00001.

Submission:

Labcorp Genetics (formerly Invitae), Labcorp
Classification: Uncertain significance for Bethlem myopathy 2; Ullrich congenital muscular dystrophy 2. Last evaluated: 2022-03-01. Review status: criteria provided, single submitter. Criteria: Invitae Variant Classification Sherloc (09022015). Collection method: clinical testing. Allele origin: germline.
Comment: This sequence change replaces isoleucine, which is neutral and non-polar, with phenylalanine, which is neutral and non-polar, at codon 1238 of the COL12A1 protein (p.Ile1238Phe). This variant is not present in population databases (gnomAD no frequency). This variant has not been reported in the literature in individuals affected with COL12A1-related conditions. Algorithms developed to predict the effect of missense changes on protein structure and function are either unavailable or do not agree on the potential impact of this missense change (SIFT: "Deleterious"; PolyPhen-2: "Possibly Damaging"; Align-GVGD: "Class C0"). In summary, the available evidence is currently insufficient to determine the role of this variant in disease. Therefore, it has been classified as a Variant of Uncertain Significance.

NM_004370.6(COL12A1):c.3712A>T (p.Ile1238Phe)

Gene: COL12A1 (collagen type XII alpha 1 chain; minus strand). Cytogenetic location: 6q13.
Variant type: single nucleotide variant.
Coding change: c.3712A>T on transcript NM_004370.6 (MANE Select); coding-DNA position 3712, A replaced by T.
Protein change: p.Ile1238Phe; replaces isoleucine 1238 with phenylalanine.
Molecular consequence: missense variant.
Genome position (GRCh38, 1-based): chr6:75,152,336, T>A on the plus strand (A>T on the coding strand, the complement: COL12A1 is on the minus strand). VCF-style: chr6-75152336-T-A. GRCh37 (hg19) VCF-style: chr6-75862052-T-A.
Other names: c.220A>T, p.Ile74Phe (NM_080645.3); short protein forms I1238F, I74F.
Identifiers: ClinVar variation 2101976 (VCV002101976.4), dbSNP rs1767537580, ClinGen allele CA364749956.